The following is an entry in ClinVar:

ClinVar aggregate classification (germline): Benign (1 of 4 stars; one submission).

Conditions:
Alport syndrome. Also called: Hemorrhagic familial nephritis; Hemorrhagic hereditary nephritis; Congenital hereditary hematuria. Identifiers: Orphanet 63, MedGen C1567741, MONDO:0018965.

Allele frequency attached by ClinVar (database versions not stated): gnomAD 0.00058 and 0.00089; TOPMed 0.00159; 1000 Genomes Project 30x 0.00344; 1000 Genomes Project 0.00359.

Submission:

Illumina Laboratory Services, Illumina
Classification: Benign for Alport syndrome. Last evaluated: 2017-04-27. Review status: criteria provided, single submitter. Criteria: ICSL Variant Classification Criteria 13 December 2019. Collection method: clinical testing. Allele origin: germline.
Comment: This variant was observed as part of a predisposition screen in an ostensibly healthy population. A literature search was performed for the gene, cDNA change, and amino acid change (where applicable). No publications were found based on this search. Allele frequency data from public databases was too high to be consistent with this variant causing disease. Therefore, this variant is classified as benign.

NM_000092.5(COL4A4):c.*1465T>A

Gene: COL4A4 (collagen type IV alpha 4 chain; minus strand). Cytogenetic location: 2q36.3.
Variant type: single nucleotide variant.
Coding change: c.*1465T>A on transcript NM_000092.5 (MANE Select); 1465 bases downstream of the stop codon, T replaced by A.
Molecular consequence: 3 prime UTR variant.
Genome position (GRCh38, 1-based): chr2:227,005,860, A>T on the plus strand (T>A on the coding strand, the complement: COL4A4 is on the minus strand). VCF-style: chr2-227005860-A-T. GRCh37 (hg19) VCF-style: chr2-227870576-A-T.
Identifiers: ClinVar variation 898487 (VCV000898487.4), dbSNP rs75940419, ClinGen allele CA67238071.